The following is an entry in ClinVar:

ClinVar aggregate classification (germline): Uncertain significance (1 of 4 stars; one submission).

gnomAD v4.1: 10 of 1,068,238 alleles (0.00094%); highest among the groups gnomAD compares: African/African-American, 0.0017%; no homozygotes.

Submission:

Women's Health and Genetics/Laboratory Corporation of America, LabCorp
Classification: Uncertain significance. Last evaluated: 2024-11-08. Review status: criteria provided, single submitter. Criteria: LabCorp Variant Classification Summary - May 2015. Collection method: clinical testing. Allele origin: germline.
Comment: Variant summary: NOVA2 c.-3C>A is located in the untranslated mRNA region upstream of the initiation codon. The variant allele was found at a frequency of 3.7e-05 in 26864 control chromosomes (gnomAD). The available data on variant occurrences in the general population are insufficient to allow any conclusion about variant significance. To our knowledge, no occurrence of c.-3C>A in individuals affected with Neurodevelopmental Disorder With Or Without Autistic Features And/or Structural Brain Abnormalities and no experimental evidence demonstrating its impact on protein function have been reported. No submitters have cited clinical-significance assessments for this variant to ClinVar. Based on the evidence outlined above, the variant was classified as uncertain significance.

NM_002516.4(NOVA2):c.-3C>A

Gene: NOVA2 (NOVA alternative splicing regulator 2; minus strand). Cytogenetic location: 19q13.32.
Variant type: single nucleotide variant.
Coding change: c.-3C>A on transcript NM_002516.4 (MANE Select); 3 bases upstream of the start codon, C replaced by A.
Molecular consequence: 5 prime UTR variant.
Genome position (GRCh38, 1-based): chr19:45,973,354, G>T on the plus strand (C>A on the coding strand, the complement: NOVA2 is on the minus strand). VCF-style: chr19-45973354-G-T. GRCh37 (hg19) VCF-style: chr19-46476612-G-T.
Identifiers: ClinVar variation 3629749 (VCV003629749.1).